The following is an entry in ClinVar:

NM_007332.3(TRPA1):c.1015G>A (p.Asp339Asn)

Gene: TRPA1 (transient receptor potential cation channel subfamily A member 1; minus strand). Cytogenetic location: 8q21.11.
Variant type: single nucleotide variant.
Coding change: c.1015G>A on transcript NM_007332.3 (MANE Select); coding-DNA position 1015, G replaced by A.
Protein change: p.Asp339Asn; replaces aspartic acid 339 with asparagine.
Molecular consequence: missense variant.
Genome position (GRCh38, 1-based): chr8:72,057,795, C>T on the plus strand (G>A on the coding strand, the complement: TRPA1 is on the minus strand). VCF-style: chr8-72057795-C-T. GRCh37 (hg19) VCF-style: chr8-72970030-C-T.
Other names: c.1015G>A (NM_007332.2); short protein forms D339N.
Identifiers: ClinVar variation 1709462 (VCV001709462.3), dbSNP rs757390701, ClinGen allele CA4781032.

ClinVar aggregate classification (germline): Uncertain significance. Review status: criteria provided, multiple submitters, no conflicts (2 of 4 stars). 2 submissions from 2 submitters: Uncertain significance (2). Last evaluated 2025-01-27.

Conditions:
Familial episodic pain syndrome with predominantly upper body involvement. Also called: Familial episodic pain syndrome 1. Identifiers: Orphanet 391384, Orphanet 391389, MedGen C3808667, MONDO:0014021, OMIM 615040.

Allele frequency attached by ClinVar (database versions not stated): ExAC 0.00001; gnomAD 0.00002; TOPMed 0.00002.
gnomAD v4.1: 17 of 1,613,430 alleles (0.0011%); highest among the groups gnomAD compares: Middle Eastern, 0.033%; no homozygotes.

Submissions (2):

Ambry Genetics
Classification: Uncertain significance. Last evaluated: 2025-01-27. Review status: criteria provided, single submitter. Criteria: Ambry Variant Classification Scheme 2023. Collection method: clinical testing. Allele origin: germline.

MGZ Medical Genetics Center
Classification: Uncertain significance for Familial episodic pain syndrome with predominantly upper body involvement. Last evaluated: 2021-10-06. Review status: criteria provided, single submitter. Criteria: ACMG Guidelines, 2015. Collection method: clinical testing. Allele origin: germline. Affected: yes. Observed: 1 variant allele.
Comment: ACMG criteria applied: PS4_SUP, PM2_SUP, PP3